The following is an entry in ClinVar:

ClinVar aggregate classification (germline): Uncertain significance. Review status: criteria provided, multiple submitters, no conflicts (2 of 4 stars). 5 submissions from 5 submitters: Uncertain significance (5). Last evaluated 2025-11-21.

Conditions:
TTN-related disorder. Also called: TTN-related disorders; TTN-related condition; TTN-related disease.
Cardiovascular phenotype. Identifiers: MedGen CN230736.
Autosomal recessive limb-girdle muscular dystrophy type 2J (LGMDR10). Also called: Limb-girdle muscular dystrophy, type 2J; MUSCULAR DYSTROPHY, LIMB-GIRDLE, AUTOSOMAL RECESSIVE 10. Identifiers: Orphanet 140922, MedGen C1837342, MONDO:0012127, OMIM 608807.
Dilated cardiomyopathy 1G (CMD1G). Identifiers: Orphanet 154, MedGen C1858763, MONDO:0011400, OMIM 604145.

Allele frequency attached by ClinVar (database versions not stated): ExAC 0.00002; gnomAD exomes 0.00002 and 0.00003; gnomAD 0.00003 and 0.00004; TOPMed 0.00003.
gnomAD v4.1: 41 of 1,612,966 alleles (0.0025%); highest among the groups gnomAD compares: African/African-American, 0.02%; no homozygotes.

Submissions (5):

PreventionGenetics, part of Exact Sciences
Classification: Uncertain significance for TTN-related condition. Last evaluated: 2025-11-21. Review status: criteria provided, single submitter. Criteria: ACMG Guidelines, 2015. Collection method: clinical testing. Allele origin: germline.
Comment: The TTN c.71399G>A variant is predicted to result in the amino acid substitution p.Arg23800His. To our knowledge, this variant has not been reported in the literature. This variant is reported in 0.017% of alleles in individuals of African descent in gnomAD. At this time, the clinical significance of this variant is uncertain due to the absence of conclusive functional and genetic evidence.

Revvity Omics, Revvity
Classification: Uncertain significance. Last evaluated: 2025-01-29. Review status: criteria provided, single submitter. Criteria: ACMG Guidelines, 2015. Collection method: clinical testing. Allele origin: germline.

Ambry Genetics
Classification: Uncertain significance for Cardiovascular phenotype. Last evaluated: 2020-08-25. Review status: criteria provided, single submitter. Criteria: Ambry Variant Classification Scheme 2023. Collection method: clinical testing. Allele origin: germline.
Comment: The p.R14735H variant (also known as c.44204G>A), located in coding exon 153 of the TTN gene, results from a G to A substitution at nucleotide position 44204. The arginine at codon 14735 is replaced by histidine, an amino acid with highly similar properties. This amino acid position is highly conserved in available vertebrate species. In addition, the in silico prediction for this alteration is inconclusive. Since supporting evidence is limited at this time, the clinical significance of this alteration remains unclear.

Labcorp Genetics (formerly Invitae), Labcorp
Classification: Uncertain significance for Dilated cardiomyopathy 1G; Autosomal recessive limb-girdle muscular dystrophy type 2J. Last evaluated: 2018-01-03. Review status: criteria provided, single submitter. Criteria: Invitae Variant Classification Sherloc (09022015). Collection method: clinical testing. Allele origin: germline.

Eurofins Ntd Llc (ga)
Classification: Uncertain significance. Last evaluated: 2017-10-24. Review status: criteria provided, single submitter. Criteria: EGL Classification Definitions 2015. Collection method: clinical testing. Allele origin: germline. Observed: 1 variant allele, 1 heterozygote.

NM_001267550.2(TTN):c.71399G>A (p.Arg23800His)

Genes: TTN (titin; minus strand), TTN-AS1 (TTN antisense RNA 1; plus strand). Cytogenetic location: 2q31.2.
Variant type: single nucleotide variant.
Coding change: c.71399G>A on transcript NM_001267550.2 (MANE Select); coding-DNA position 71399, G replaced by A.
Protein change: p.Arg23800His; replaces arginine 23800 with histidine.
Molecular consequence: missense variant.
Genome position (GRCh38, 1-based): chr2:178,574,733, C>T on the plus strand (G>A on the coding strand, the complement: TTN is on the minus strand). VCF-style: chr2-178574733-C-T. GRCh37 (hg19) VCF-style: chr2-179439460-C-T.
Other names: c.66476G>A, p.Arg22159His (NM_001256850.1); c.44204G>A, p.Arg14735His (NM_003319.4); c.63695G>A, p.Arg21232His (NM_133378.4); c.44579G>A, p.Arg14860His (NM_133432.3); c.44780G>A, p.Arg14927His (NM_133437.4); short protein forms R23800H, R21232H, R14927H, R22159H, R14860H, R14735H.
Identifiers: ClinVar variation 405014 (VCV000405014.13), dbSNP rs537705563, ClinGen allele CA1990632.